The following is an entry in ClinVar:

NM_001271.4(CHD2):c.4996G>A (p.Glu1666Lys)

Gene: CHD2 (chromodomain helicase DNA binding protein 2; plus strand). Cytogenetic location: 15q26.1.
Variant type: single nucleotide variant.
Coding change: c.4996G>A on transcript NM_001271.4 (MANE Select); coding-DNA position 4996, G replaced by A.
Protein change: p.Glu1666Lys; replaces glutamic acid 1666 with lysine.
Molecular consequence: missense variant.
Genome position (GRCh38, 1-based): chr15:93,020,101, G>A. VCF-style: chr15-93020101-G-A. GRCh37 (hg19) VCF-style: chr15-93563331-G-A.
Other names: short protein forms E1666K.
Identifiers: ClinVar variation 4689995 (VCV004689995.1).

ClinVar aggregate classification (germline): Uncertain significance (1 of 4 stars; one submission).

Submission:

GeneDx
Classification: Uncertain significance. Last evaluated: 2025-07-30. Review status: criteria provided, single submitter. Criteria: GeneDx Variant Classification Process June 2021. Collection method: clinical testing. Allele origin: germline. Affected: yes.
Comment: Not observed at significant frequency in large population cohorts (gnomAD); In silico analysis suggests that this missense variant does not alter protein structure/function; Has not been previously published as pathogenic or benign to our knowledge